The following is an entry in ClinVar:

NM_030958.3(SLCO5A1):c.2009T>A (p.Ile670Asn)

Gene: SLCO5A1 (solute carrier organic anion transporter family member 5A1; minus strand). Cytogenetic location: 8q13.3.
Variant type: single nucleotide variant.
Coding change: c.2009T>A on transcript NM_030958.3 (MANE Select); coding-DNA position 2009, T replaced by A.
Protein change: p.Ile670Asn; replaces isoleucine 670 with asparagine.
Molecular consequence: missense variant.
Genome position (GRCh38, 1-based): chr8:69,679,393, A>T on the plus strand (T>A on the coding strand, the complement: SLCO5A1 is on the minus strand). VCF-style: chr8-69679393-A-T. GRCh37 (hg19) VCF-style: chr8-70591628-A-T.
Other names: c.2009T>A, p.Ile670Asn (NM_001146008.2); c.1844T>A, p.Ile615Asn (NM_001146009.1); short protein forms I670N, I615N.
Identifiers: ClinVar variation 4732214 (VCV004732214.1).

ClinVar aggregate classification (germline): Uncertain significance (1 of 4 stars; one submission).

gnomAD v4.1: 1 of 1,614,176 alleles (0.000062%); highest among the groups gnomAD compares: African/African-American, 0.0013%; no homozygotes.

Submission:

Labcorp Genetics (formerly Invitae), Labcorp
Classification: Uncertain significance. Last evaluated: 2025-12-06. Review status: criteria provided, single submitter. Criteria: Invitae Variant Classification Sherloc (09022015). Collection method: clinical testing. Allele origin: germline.
Comment: This sequence change replaces isoleucine, which is neutral and non-polar, with asparagine, which is neutral and polar, at codon 670 of the SLCO5A1 protein (p.Ile670Asn). This variant is not present in population databases (gnomAD no frequency). This variant has not been reported in the literature in individuals affected with SLCO5A1-related conditions. An algorithm developed to predict the effect of missense changes on protein structure and function (PolyPhen-2) suggests that this variant is likely to be tolerated. In summary, the available evidence is currently insufficient to determine the role of this variant in disease. Therefore, it has been classified as a Variant of Uncertain Significance.